The following is an entry in ClinVar:

NM_019098.5(CNGB3):c.212-1G>T

Gene: CNGB3 (cyclic nucleotide gated channel subunit beta 3; minus strand). Cytogenetic location: 8q21.3.
Variant type: single nucleotide variant.
Coding change: c.212-1G>T on transcript NM_019098.5 (MANE Select); the canonical splice acceptor site of the intron before coding-DNA position 212, G replaced by T.
Molecular consequence: splice acceptor variant.
Genome position (GRCh38, 1-based): chr8:86,726,658, C>A on the plus strand (G>T on the coding strand, the complement: CNGB3 is on the minus strand). VCF-style: chr8-86726658-C-A. GRCh37 (hg19) VCF-style: chr8-87738886-C-A.
Identifiers: ClinVar variation 4816017 (VCV004816017.1).

ClinVar aggregate classification (germline): Likely pathogenic (1 of 4 stars; one submission).

Conditions:
Achromatopsia. Also called: Rod monochromatism. Identifiers: Orphanet 49382, MedGen C0152200, MONDO:0018852, HP:0011516.

Submission:

Natera, Inc.
Classification: Likely pathogenic for Achromatopsia. Last evaluated: 2025-11-17. Review status: criteria provided, single submitter. Criteria: Natera Variant Classification Schema (03/2026). Collection method: clinical testing. Allele origin: germline.
Comment: The c.212-1G>T variant in CNGB3 is a canonical splice acceptor site variant predicted to affect pre-mRNA splicing, which may result in an abnormal transcript and altered protein product. This variant is expected to result in nonsense mediated decay, truncation, or a dysfunctional protein product. This variant is rare in the general population with a frequency below the threshold expected for the associated phenotype(s). Given the available evidence, this variant is classified as Likely Pathogenic.